The following is an entry in ClinVar:

ClinVar aggregate classification (germline): Uncertain significance. Review status: criteria provided, multiple submitters, no conflicts (2 of 4 stars). 2 submissions from 2 submitters: Uncertain significance (2). Last evaluated 2025-04-10.

Conditions:
Inborn genetic diseases. Identifiers: MedGen C0950123, MeSH D030342.
Primary ciliary dyskinesia 32. Also called: CILIARY DYSKINESIA, PRIMARY, 32, WITHOUT SITUS INVERSUS. Identifiers: Orphanet 244, MedGen C4225311, MONDO:0014657, OMIM 616481.

gnomAD v4.1: 4 of 1,614,088 alleles (0.00025%); highest among the groups gnomAD compares: East Asian, 0.0022%; no homozygotes.

Submissions (2):

Ambry Genetics
Classification: Uncertain significance for Inborn genetic diseases. Last evaluated: 2025-04-10. Review status: criteria provided, single submitter. Criteria: Ambry Variant Classification Scheme 2023. Collection method: clinical testing. Allele origin: germline.

Labcorp Genetics (formerly Invitae), Labcorp
Classification: Uncertain significance for Primary ciliary dyskinesia 32. Last evaluated: 2022-08-15. Review status: criteria provided, single submitter. Criteria: Invitae Variant Classification Sherloc (09022015). Collection method: clinical testing. Allele origin: germline.
Comment: This variant has not been reported in the literature in individuals affected with RSPH3-related conditions. This variant is present in population databases (no rsID available, gnomAD 0.006%). This sequence change replaces arginine, which is basic and polar, with threonine, which is neutral and polar, at codon 417 of the RSPH3 protein (p.Arg417Thr). ClinVar contains an entry for this variant (Variation ID: 475821). In summary, the available evidence is currently insufficient to determine the role of this variant in disease. Therefore, it has been classified as a Variant of Uncertain Significance. Algorithms developed to predict the effect of missense changes on protein structure and function are either unavailable or do not agree on the potential impact of this missense change (SIFT: "Deleterious"; PolyPhen-2: "Probably Damaging"; Align-GVGD: "Class C0").

NM_031924.8(RSPH3):c.824G>C (p.Arg275Thr)

Gene: RSPH3 (radial spoke head 3; minus strand). Cytogenetic location: 6q25.3.
Variant type: single nucleotide variant.
Coding change: c.824G>C on transcript NM_031924.8 (MANE Select); coding-DNA position 824, G replaced by C.
Protein change: p.Arg275Thr; replaces arginine 275 with threonine.
Molecular consequence: missense variant. On other transcripts: non-coding transcript variant (1).
Genome position (GRCh38, 1-based): chr6:158,980,809, C>G on the plus strand (G>C on the coding strand, the complement: RSPH3 is on the minus strand). VCF-style: chr6-158980809-C-G. GRCh37 (hg19) VCF-style: chr6-159401841-C-G.
Other names: c.962G>C, p.Arg321Thr (NM_001346418.1); short protein forms R321T, R275T.
Identifiers: ClinVar variation 475821 (VCV000475821.9), dbSNP rs770525375, ClinGen allele CA366279839.